The following is an entry in ClinVar:

NM_182914.3(SYNE2):c.15848A>G (p.Asp5283Gly)

Gene: SYNE2 (spectrin repeat containing nuclear envelope protein 2; plus strand). Cytogenetic location: 14q23.2.
Variant type: single nucleotide variant.
Coding change: c.15848A>G on transcript NM_182914.3 (MANE Select); coding-DNA position 15848, A replaced by G.
Protein change: p.Asp5283Gly; replaces aspartic acid 5283 with glycine.
Molecular consequence: missense variant.
Genome position (GRCh38, 1-based): chr14:64,158,680, A>G. VCF-style: chr14-64158680-A-G. GRCh37 (hg19) VCF-style: chr14-64625398-A-G.
Other names: c.15848A>G, p.Asp5283Gly (NM_015180.6); short protein forms D5283G.
Identifiers: ClinVar variation 282892 (VCV000282892.44), dbSNP rs138797058, ClinGen allele CA7223206.

ClinVar aggregate classification (germline): Conflicting classifications of pathogenicity. Review status: criteria provided, conflicting classifications (1 of 4 stars). 5 submissions from 5 submitters: Uncertain significance (1); Benign (2); Likely benign (2). Last evaluated 2025-12-31.

Conditions:
Emery-Dreifuss muscular dystrophy 5, autosomal dominant (EDMD5). Also called: EMERY-DREIFUSS MUSCULAR DYSTROPHY 5. Identifiers: Orphanet 261, MedGen C2751805, MONDO:0013072, OMIM 612999.

Allele frequency attached by ClinVar (database versions not stated): ESP Exome Variant Server 0.00046; gnomAD 0.00054 and 0.00068; TOPMed 0.00057; gnomAD exomes 0.00102 and 0.00110; 1000 Genomes Project 30x 0.00109; 1000 Genomes Project 0.00120; ExAC 0.00125.
gnomAD v4.1: 1,591 of 1,614,018 alleles (0.099%); highest among the groups gnomAD compares: South Asian, 0.56%; 2 homozygotes.

Submissions (5):

Labcorp Genetics (formerly Invitae), Labcorp
Classification: Likely benign for Emery-Dreifuss muscular dystrophy 5, autosomal dominant. Last evaluated: 2025-12-31. Review status: criteria provided, single submitter. Criteria: Invitae Variant Classification Sherloc (09022015). Collection method: clinical testing. Allele origin: germline.

Blueprint Genetics
Classification: Likely benign. Last evaluated: 2024-11-06. Review status: criteria provided, single submitter. Criteria: ACMG Guidelines, 2015. Collection method: clinical testing. Allele origin: germline.

CeGaT Center for Human Genetics Tuebingen
Classification: Benign. Last evaluated: 2023-01-01. Review status: criteria provided, single submitter. Criteria: CeGaT Center For Human Genetics Tuebingen Variant Classification Criteria Version 2. Collection method: clinical testing. Allele origin: germline. Affected: yes. Observed: 1 variant allele.
Comment: SYNE2: BS1, BS2

Illumina Laboratory Services, Illumina
Classification: Benign for Emery-Dreifuss muscular dystrophy 5, autosomal dominant. Last evaluated: 2018-01-12. Review status: criteria provided, single submitter. Criteria: ICSL Variant Classification Criteria 13 December 2019. Collection method: clinical testing. Allele origin: germline.
Comment: This variant was observed in the ICSL laboratory as part of a predisposition screen in an ostensibly healthy population. It had not been previously curated by ICSL or reported in the Human Gene Mutation Database (HGMD: prior to June 1st, 2018), and was therefore a candidate for classification through an automated scoring system. Utilizing variant allele frequency, disease prevalence and penetrance estimates, and inheritance mode, an automated score was calculated to assess if this variant is too frequent to cause the disease. Based on the score and internal cut-off values, a variant classified as benign is not then subjected to further curation. The score for this variant resulted in a classification of benign for this disease.

Eurofins Ntd Llc (ga)
Classification: Uncertain significance. Last evaluated: 2015-09-01. Review status: criteria provided, single submitter. Criteria: EGL Classification Definitions 2015. Collection method: clinical testing. Allele origin: germline. Observed: 5 variant alleles, 5 heterozygotes.